The following is an entry in ClinVar:

ClinVar aggregate classification (germline): Benign. Review status: criteria provided, multiple submitters, no conflicts (2 of 4 stars). 6 submissions from 6 submitters: Benign (6). Last evaluated 2026-02-04.

Allele frequency attached by ClinVar (database versions not stated): gnomAD exomes 0.24286 and 0.26281; ESP Exome Variant Server 0.29864; gnomAD 0.30131 and 0.30258; TOPMed 0.30414; ExAC 0.31104; 1000 Genomes Project 30x 0.31871; 1000 Genomes Project 0.32508.
gnomAD v4.1: 400,514 of 1,609,382 alleles (25%); highest among the groups gnomAD compares: African/African-American, 48%; 53,489 homozygotes.

Submissions (6):

Labcorp Genetics (formerly Invitae), Labcorp
Classification: Benign. Last evaluated: 2026-02-04. Review status: criteria provided, single submitter. Criteria: Invitae Variant Classification Sherloc (09022015). Collection method: clinical testing. Allele origin: germline.

Blueprint Genetics
Classification: Benign. Last evaluated: 2024-11-28. Review status: criteria provided, single submitter. Criteria: ACMG Guidelines, 2015. Collection method: clinical testing. Allele origin: germline.

Unidad de Genómica Garrahan, Hospital de Pediatría Garrahan
Classification: Benign. Last evaluated: 2023-11-12. Review status: criteria provided, single submitter. Criteria: ACMG Guidelines, 2015. Collection method: clinical testing. Allele origin: germline. Affected: no. Observed: 37 variant alleles.
Comment: This variant is classified as Benign based on local population frequency. This variant was detected in 39% of patients studied by a panel of primary immunodeficiencies. Number of patients: 37. Only high quality variants are reported.

Mayo Clinic Laboratories, Mayo Clinic
Classification: Benign. Last evaluated: 2022-09-29. Review status: criteria provided, single submitter. Criteria: ACMG Guidelines, 2015. Collection method: clinical testing. Allele origin: germline. Observed: 821 variant alleles.

GeneDx
Classification: Benign. Last evaluated: 2018-11-27. Review status: criteria provided, single submitter. Criteria: GeneDx Variant Classification Process June 2021. Collection method: clinical testing. Allele origin: germline. Affected: yes.

Breakthrough Genomics
Classification: Benign. Review status: criteria provided, single submitter. Criteria: ACMG Guidelines, 2015. Collection method: not provided. Allele origin: germline. Inheritance: Autosomal recessive inheritance. Affected: yes.

NM_001261826.3(AP3D1):c.3135C>T (p.Ser1045=)

Gene: AP3D1 (adaptor related protein complex 3 subunit delta 1; minus strand). Cytogenetic location: 19p13.3.
Variant type: single nucleotide variant.
Coding change: c.3135C>T on transcript NM_001261826.3 (MANE Select); coding-DNA position 3135, C replaced by T.
Protein change: p.Ser1045=; no amino-acid change (serine 1045 retained).
Molecular consequence: synonymous variant.
Genome position (GRCh38, 1-based): chr19:2,110,747, G>A on the plus strand (C>T on the coding strand, the complement: AP3D1 is on the minus strand). VCF-style: chr19-2110747-G-A. GRCh37 (hg19) VCF-style: chr19-2110746-G-A.
Other names: p.Ser1045=; c.3099C>T, p.Ser1033= (NM_001374799.1); c.2949C>T, p.Ser983= (NM_003938.8).
Identifiers: ClinVar variation 1167433 (VCV001167433.15), dbSNP rs20567, ClinGen allele CA9058561.